The following is an entry in ClinVar:

NM_001042646.3(TRAK1):c.1313T>C (p.Leu438Pro)

Gene: TRAK1 (trafficking kinesin protein 1; plus strand). Cytogenetic location: 3p22.1.
Variant type: single nucleotide variant.
Coding change: c.1313T>C on transcript NM_001042646.3 (MANE Select); coding-DNA position 1313, T replaced by C.
Protein change: p.Leu438Pro; replaces leucine 438 with proline.
Molecular consequence: missense variant. On other transcripts: non-coding transcript variant (1).
Genome position (GRCh38, 1-based): chr3:42,200,940, T>C. VCF-style: chr3-42200940-T-C. GRCh37 (hg19) VCF-style: chr3-42242432-T-C.
Other names: c.1313T>C, p.Leu438Pro (NM_001265608.2, NM_001349246.2, NM_001349247.2); c.1091T>C, p.Leu364Pro (NM_001265609.2, NM_001265610.1, NM_001349248.1 and 1 more transcripts); c.1001T>C, p.Leu334Pro (NM_001349245.1); c.1139T>C, p.Leu380Pro (NM_014965.5); short protein forms L334P, L364P, L380P, L438P.
Identifiers: ClinVar variation 1335508 (VCV001335508.35), dbSNP rs1472725042, ClinGen allele CA352246612.

ClinVar aggregate classification (germline): Uncertain significance (1 of 4 stars; one submission).

Allele frequency attached by ClinVar (database versions not stated): gnomAD exomes below 0.00001; TOPMed below 0.00001; gnomAD 0.00001.
gnomAD v4.1: 2 of 1,614,064 alleles (0.00012%); highest among the groups gnomAD compares: African/African-American, 0.0013%; no homozygotes.

Submission:

CeGaT Center for Human Genetics Tuebingen
Classification: Uncertain significance. Last evaluated: 2024-03-01. Review status: criteria provided, single submitter. Criteria: CeGaT Center For Human Genetics Tuebingen Variant Classification Criteria Version 2. Collection method: clinical testing. Allele origin: germline. Affected: yes. Observed: 2 variant alleles.
Comment: TRAK1: PM2